The following is an entry in ClinVar:

ClinVar aggregate classification (germline): Conflicting classifications of pathogenicity. Review status: criteria provided, conflicting classifications (1 of 4 stars). 2 submissions from 2 submitters: Uncertain significance (1); Likely benign (1). Last evaluated 2025-09-10.

Conditions:
Hereditary nonpolyposis colorectal neoplasms. Identifiers: MedGen C0009405, MeSH D003123.
Hereditary cancer-predisposing syndrome. Also called: Hereditary neoplastic syndrome; Neoplastic Syndromes, Hereditary; Tumor predisposition; Hereditary Cancer Syndrome. Identifiers: Orphanet 140162, MedGen C0027672, MeSH D009386, MONDO:0015356.

Submissions (2):

Ambry Genetics
Classification: Likely benign for Hereditary cancer-predisposing syndrome. Last evaluated: 2025-09-10. Review status: criteria provided, single submitter. Criteria: Ambry Variant Classification Scheme 2023. Collection method: clinical testing. Allele origin: germline.

Labcorp Genetics (formerly Invitae), Labcorp
Classification: Uncertain significance for Hereditary nonpolyposis colorectal neoplasms. Last evaluated: 2023-05-15. Review status: criteria provided, single submitter. Criteria: Invitae Variant Classification Sherloc (09022015). Collection method: clinical testing. Allele origin: germline.
Comment: In summary, the available evidence is currently insufficient to determine the role of this variant in disease. Therefore, it has been classified as a Variant of Uncertain Significance. This sequence change replaces glutamine, which is neutral and polar, with glutamic acid, which is acidic and polar, at codon 643 of the PMS2 protein (p.Gln643Glu). This variant has not been reported in the literature in individuals affected with PMS2-related conditions. ClinVar contains an entry for this variant (Variation ID: 1511524). Advanced modeling of protein sequence and biophysical properties (such as structural, functional, and spatial information, amino acid conservation, physicochemical variation, residue mobility, and thermodynamic stability) performed at Invitae indicates that this missense variant is not expected to disrupt PMS2 protein function. This variant is not present in population databases (gnomAD no frequency).

NM_000535.7(PMS2):c.1927C>G (p.Gln643Glu)

Gene: PMS2 (PMS1 homolog 2, mismatch repair system component; minus strand). Cytogenetic location: 7p22.1.
Variant type: single nucleotide variant.
Coding change: c.1927C>G on transcript NM_000535.7 (MANE Select); coding-DNA position 1927, C replaced by G.
Protein change: p.Gln643Glu; replaces glutamine 643 with glutamic acid.
Molecular consequence: missense variant. On other transcripts: non-coding transcript variant (1).
Genome position (GRCh38, 1-based): chr7:5,986,838, G>C on the plus strand (C>G on the coding strand, the complement: PMS2 is on the minus strand). VCF-style: chr7-5986838-G-C. GRCh37 (hg19) VCF-style: chr7-6026469-G-C.
Other names: c.1522C>G, p.Gln508Glu (NM_001322003.2, NM_001322004.2, NM_001322005.2 and 1 more transcripts); c.1771C>G, p.Gln591Glu (NM_001322006.2); c.1609C>G, p.Gln537Glu (NM_001322007.2, NM_001322008.2); c.1366C>G, p.Gln456Glu (NM_001322010.2); c.994C>G, p.Gln332Glu (NM_001322011.2, NM_001322012.2); c.1354C>G, p.Gln452Glu (NM_001322013.2); c.1927C>G, p.Gln643Glu (NM_001322014.2); c.1618C>G, p.Gln540Glu (NM_001322015.2); short protein forms Q332E, Q537E, Q452E, Q508E, Q540E, Q591E, Q643E, Q456E.
Identifiers: ClinVar variation 1511524 (VCV001511524.11), dbSNP rs63751422, ClinGen allele CA366739216.